The following is an entry in ClinVar:

NM_152906.7(TANGO2):c.436dup (p.Ile146fs)

Gene: TANGO2 (transport and golgi organization 2 homolog; plus strand). Cytogenetic location: 22q11.21.
Variant type: Duplication.
Coding change: c.436dup on transcript NM_152906.7 (MANE Select); coding-DNA position 436, one base duplicated (A; older notation c.436dupA).
Protein change: p.Ile146fs; shifts the reading frame from isoleucine 146.
Molecular consequence: frameshift variant. On other transcripts: non-coding transcript variant (4), intron variant (11).
Genome position (GRCh38, 1-based): chr22:20,055,998, A duplicated. VCF-style (leftmost placement, unchanged base first): chr22-20055997-T-TA. GRCh37 (hg19) VCF-style: chr22-20043520-T-TA.
Other names: c.436dup, p.Ile146fs (NM_001283106.3, NM_001283116.3, NM_001283148.3 and 2 more transcripts); c.559dup, p.Ile187fs (NM_001283129.3, NM_001283215.3, NM_001322141.2 and 2 more transcripts); c.142dup, p.Ile48fs (NM_001283235.3, NM_001322150.2, NM_001322153.2 and 6 more transcripts); c.334dup, p.Ile112fs (NM_001322146.2, NM_001322148.2, NM_001322160.2); c.265+3414dup (NM_001322163.2, NM_001283179.3, NM_001322167.2 and 4 more transcripts); c.388+3414dup (NM_001322145.2, NM_001322147.2); c.380+2447dup (NM_001283199.3); c.503+2447dup (NM_001322149.2); short protein forms I48fs, I112fs, I187fs, I146fs.
Identifiers: ClinVar variation 2765581 (VCV002765581.3), dbSNP rs2518902732, ClinGen allele CA2697547679.

ClinVar aggregate classification (germline): Pathogenic (1 of 4 stars; one submission).

Submission:

Labcorp Genetics (formerly Invitae), Labcorp
Classification: Pathogenic. Last evaluated: 2023-06-04. Review status: criteria provided, single submitter. Criteria: Invitae Variant Classification Sherloc (09022015). Collection method: clinical testing. Allele origin: germline.
Comment: This sequence change creates a premature translational stop signal (p.Ile146Asnfs*55) in the TANGO2 gene. It is expected to result in an absent or disrupted protein product. Loss-of-function variants in TANGO2 are known to be pathogenic (PMID: 26805781, 26805782). This variant has not been reported in the literature in individuals affected with TANGO2-related conditions. This variant is not present in population databases (gnomAD no frequency). For these reasons, this variant has been classified as Pathogenic.

Literature cited by the submitters: PubMed 26805781; PubMed 26805782.